The following is an entry in ClinVar:

ClinVar aggregate classification (germline): Conflicting classifications of pathogenicity. Review status: criteria provided, conflicting classifications (1 of 4 stars). 3 submissions from 3 submitters: Uncertain significance (2); Likely benign (1). Last evaluated 2023-03-23.

Conditions:
Hereditary breast ovarian cancer syndrome. Also called: Breast and ovarian cancer; Hereditary breast and ovarian cancer syndrome (HBOC); Hereditary breast and ovarian cancer; Hereditary breast and/or ovarian cancer syndrome; BRCA1- and BRCA2-Associated Hereditary Breast and Ovarian Cancer; Hereditary breast and ovarian cancer syndrome. Identifiers: Orphanet 145, MedGen C0677776, MeSH D061325, MONDO:0003582. Disease mechanism: loss of function.
Hereditary cancer-predisposing syndrome. Also called: Hereditary Cancer Syndrome; Neoplastic Syndromes, Hereditary; Tumor predisposition; Hereditary neoplastic syndrome. Identifiers: Orphanet 140162, MedGen C0027672, MeSH D009386, MONDO:0015356.

Allele frequency attached by ClinVar (database versions not stated): gnomAD exomes below 0.00001.
gnomAD v4.1: 1 of 1,613,330 alleles (0.000062%); highest among the groups gnomAD compares: South Asian, 0.0011%; no homozygotes.

Submissions (3):

University of Washington Department of Laboratory Medicine, University of Washington
Classification: Likely benign for Hereditary cancer-predisposing syndrome. Last evaluated: 2023-03-23. Review status: criteria provided, single submitter. Criteria: Dines et al. (Genet Med. 2020). Collection method: curation. Allele origin: germline.
Comment: Missense variant in a coldspot region where missense variants are very unlikely to be pathogenic (PMID:31911673).

BRCA2 exon 11 coldspot. Reclassification based on statistical prior probability.

Quest Diagnostics Nichols Institute San Juan Capistrano
Classification: Uncertain significance. Last evaluated: 2021-08-16. Review status: criteria provided, single submitter. Criteria: Quest Diagnostics criteria. Collection method: clinical testing. Allele origin: unknown.

Labcorp Genetics (formerly Invitae), Labcorp
Classification: Uncertain significance for Hereditary breast ovarian cancer syndrome. Last evaluated: 2020-02-20. Review status: criteria provided, single submitter. Criteria: Invitae Variant Classification Sherloc (09022015). Collection method: clinical testing. Allele origin: germline.
Comment: In summary, the available evidence is currently insufficient to determine the role of this variant in disease. Therefore, it has been classified as a Variant of Uncertain Significance. Algorithms developed to predict the effect of sequence changes on RNA splicing suggest that this variant may create or strengthen a splice site, but this prediction has not been confirmed by published transcriptional studies. Algorithms developed to predict the effect of missense changes on protein structure and function (SIFT, PolyPhen-2, Align-GVGD) all suggest that this variant is likely to be tolerated, but these predictions have not been confirmed by published functional studies and their clinical significance is uncertain. This variant has not been reported in the literature in individuals with BRCA2-related conditions. This variant is not present in population databases (ExAC no frequency). This sequence change replaces valine with glycine at codon 1942 of the BRCA2 protein (p.Val1942Gly). The valine residue is weakly conserved and there is a moderate physicochemical difference between valine and glycine.

NM_000059.4(BRCA2):c.5825T>G (p.Val1942Gly)

Gene: BRCA2 (BRCA2 DNA repair associated; plus strand). Cytogenetic location: 13q13.1.
Variant type: single nucleotide variant.
Coding change: c.5825T>G on transcript NM_000059.4 (MANE Select); coding-DNA position 5825, T replaced by G.
Protein change: p.Val1942Gly; replaces valine 1942 with glycine.
Molecular consequence: missense variant.
Genome position (GRCh38, 1-based): chr13:32,340,180, T>G. VCF-style: chr13-32340180-T-G. GRCh37 (hg19) VCF-style: chr13-32914317-T-G.
Other names: short protein forms V1942G.
Identifiers: ClinVar variation 1023116 (VCV001023116.14), dbSNP rs2072539383, ClinGen allele CA387787306.